The following is an entry in ClinVar:

NM_002386.4(MC1R):c.67C>T (p.Gln23Ter)

Gene: MC1R (melanocortin 1 receptor; plus strand). Cytogenetic location: 16q24.3.
Variant type: single nucleotide variant.
Coding change: c.67C>T on transcript NM_002386.4 (MANE Select); coding-DNA position 67, C replaced by T.
Protein change: p.Gln23Ter; replaces glutamine 23 with a stop codon.
Molecular consequence: nonsense.
Genome position (GRCh38, 1-based): chr16:89,919,325, C>T. VCF-style: chr16-89919325-C-T. GRCh37 (hg19) VCF-style: chr16-89985733-C-T.
Other names: short protein forms Q23*.
Identifiers: ClinVar variation 239159 (VCV000239159.25), dbSNP rs201533137, ClinGen allele CA8255474.

ClinVar aggregate classification (germline): Conflicting classifications of pathogenicity. Review status: criteria provided, conflicting classifications (1 of 4 stars). 6 submissions from 6 submitters: Pathogenic (1); Uncertain significance (3); Likely benign (1). 1 of the submissions does not count toward it. Last evaluated 2025-11-10.

Conditions:
MC1R-related disorder. Also called: MC1R-related condition.
Melanoma, cutaneous malignant, susceptibility to, 5. Also called: Cutaneous malignant melanoma 5. Identifiers: Orphanet 618, MedGen C2751295, MONDO:0013133, OMIM 613099.

Allele frequency attached by ClinVar (database versions not stated): gnomAD exomes 0.00014 and 0.00030; ExAC 0.00051; ESP Exome Variant Server 0.00092; gnomAD 0.00133 and 0.00144; 1000 Genomes Project 0.00140; TOPMed 0.00143; 1000 Genomes Project 30x 0.00172.
gnomAD v4.1: 404 of 1,612,270 alleles (0.025%); highest among the groups gnomAD compares: African/African-American, 0.5%; 1 homozygote.

Submissions (6):

Labcorp Genetics (formerly Invitae), Labcorp
Classification: Uncertain significance for Melanoma, cutaneous malignant, susceptibility to, 5. Last evaluated: 2025-11-10. Review status: criteria provided, single submitter. Criteria: Invitae Variant Classification Sherloc (09022015). Collection method: clinical testing. Allele origin: germline.
Comment: This sequence change creates a premature translational stop signal (p.Gln23*) in the MC1R gene. While this is not anticipated to result in nonsense mediated decay, it is expected to disrupt the last 295 amino acid(s) of the MC1R protein. This variant is present in population databases (rs201533137, gnomAD 0.5%), and has an allele count higher than expected for a pathogenic variant. This premature translational stop signal has been observed in individual(s) with clinical features of MC1R-related conditions (PMID: 12839583). ClinVar contains an entry for this variant (Variation ID: 239159). In summary, the available evidence is currently insufficient to determine the role of this variant in disease. Therefore, it has been classified as a Variant of Uncertain Significance.

CeGaT Center for Human Genetics Tuebingen
Classification: Uncertain significance. Last evaluated: 2025-10-01. Review status: criteria provided, single submitter. Criteria: CeGaT Center For Human Genetics Tuebingen Variant Classification Criteria Version 2. Collection method: clinical testing. Allele origin: germline. Affected: yes. Observed: 2 variant alleles.

GeneDx
Classification: Uncertain significance. Last evaluated: 2025-04-03. Review status: criteria provided, single submitter. Criteria: GeneDx Variant Classification Process June 2021. Collection method: clinical testing. Allele origin: germline. Affected: yes.
Comment: Nonsense variant predicted to result in protein truncation as the last 295 amino acids are lost in a gene for which loss-of-function is not a known mechanism of disease; This variant is associated with the following publications: (PMID: 12839583, 26546047, 37958811)

Blueprint Genetics
Classification: Pathogenic for MC1R-related disorders. Last evaluated: 2024-11-12. Review status: criteria provided, single submitter. Criteria: ACMG Guidelines, 2015. Collection method: clinical testing. Allele origin: germline. Affected: yes. Observed: 5 variant alleles.

ARUP Laboratories, Molecular Genetics and Genomics, ARUP Laboratories
Classification: Likely benign. Last evaluated: 2023-09-18. Review status: criteria provided, single submitter. Criteria: ARUP Molecular Germline Variant Investigation Process 2024. Collection method: clinical testing. Allele origin: germline.

PreventionGenetics, part of Exact Sciences
Classification: Uncertain significance for MC1R-related condition. Last evaluated: 2024-09-04. Review status: no assertion criteria provided. Collection method: clinical testing. Allele origin: germline. Not counted in ClinVar's aggregate classification.
Comment: The MC1R c.67C>T variant is predicted to result in premature protein termination (p.Gln23*). This variant has been reported in the heterozygous state in an individual with red hair and without a second variant in the gene (McKenzie et al 2003. PubMed ID: 12839583); however, it has not been associated with MC1R-related conditions. This variant is reported in 0.51% of alleles in individuals of African descent in gnomAD, which is likely too frequent to be a primary cause of disease. Although we suspect this variant may be benign, its clinical significance is currently classified as uncertain due to the absence of conclusive functional and genetic evidence.

Literature cited by the submitters: PubMed 12839583 (cited by Labcorp Genetics (formerly Invitae), Labcorp).